The following is an entry in ClinVar:

ClinVar aggregate classification (germline): Likely benign. Review status: criteria provided, multiple submitters, no conflicts (2 of 4 stars). 2 submissions from 2 submitters: Likely benign (2). Last evaluated 2025-08-24.

Conditions:
MYH14-related disorder. Also called: MYH14-related condition.

gnomAD v4.1: 28 of 1,611,806 alleles (0.0017%); highest among the groups gnomAD compares: African/African-American, 0.0067%; no homozygotes.

Submissions (2):

PreventionGenetics, part of Exact Sciences
Classification: Likely benign for MYH14-related condition. Last evaluated: 2025-08-24. Review status: criteria provided, single submitter. Criteria: ACMG Guidelines, 2015. Collection method: clinical testing. Allele origin: germline.
Comment: This variant is classified as likely benign based on ACMG/AMP sequence variant interpretation guidelines (Richards et al. 2015 PMID: 25741868, with internal and published modifications).

Blueprint Genetics
Classification: Likely benign. Last evaluated: 2024-06-21. Review status: criteria provided, single submitter. Criteria: ACMG Guidelines, 2015. Collection method: clinical testing. Allele origin: germline.

NM_001145809.2(MYH14):c.5127+9C>T

Gene: MYH14 (myosin heavy chain 14; plus strand). Cytogenetic location: 19q13.33.
Variant type: single nucleotide variant.
Coding change: c.5127+9C>T on transcript NM_001145809.2 (MANE Select); 9 bases into the intron after coding-DNA position 5127, C replaced by T.
Molecular consequence: intron variant.
Genome position (GRCh38, 1-based): chr19:50,291,057, C>T. VCF-style: chr19-50291057-C-T. GRCh37 (hg19) VCF-style: chr19-50794314-C-T.
Other names: c.5028+9C>T (NM_001077186.2); c.5004+9C>T (NM_024729.4); c.5127+9C>T (NM_001145809.1).
Identifiers: ClinVar variation 4943538 (VCV004943538.2).
Genomic context (GRCh38, chr19:50,291,057, plus strand): 5'-CTCTGCCGGCCAGGGCAAGGAGGAGGCGGTGAAGCAGCTTCGCAAGATGCAGGTAAGAGC[C>T]GGCGTGAGCTGCAGGGAGGGGAGGCTTTGGTGTCTTCAAGCCCCAACCATCACTCCAGGG-3'